The following is an entry in ClinVar:

ClinVar aggregate classification (germline): Uncertain significance (1 of 4 stars; one submission).

Conditions:
Ataxia-telangiectasia syndrome (AT). Also called: LOUIS-BAR SYNDROME; AT, COMPLEMENTATION GROUP C; ATAXIA-TELANGIECTASIA, COMPLEMENTATION GROUP A; ATAXIA-TELANGIECTASIA, FRESNO VARIANT; Ataxia-telangiectasia; Cerebello-oculocutaneous telangiectasia. Identifiers: Orphanet 100, MedGen C0004135, MONDO:0008840, OMIM 208900.

Submission:

Labcorp Genetics (formerly Invitae), Labcorp
Classification: Uncertain significance for Ataxia-telangiectasia syndrome. Last evaluated: 2024-06-29. Review status: criteria provided, single submitter. Criteria: Invitae Variant Classification Sherloc (09022015). Collection method: clinical testing. Allele origin: germline.
Comment: This sequence change replaces leucine, which is neutral and non-polar, with phenylalanine, which is neutral and non-polar, at codon 1850 of the ATM protein (p.Leu1850Phe). This variant is not present in population databases (gnomAD no frequency). This variant has not been reported in the literature in individuals affected with ATM-related conditions. An algorithm developed to predict the effect of missense changes on protein structure and function (PolyPhen-2) suggests that this variant is likely to be tolerated. In summary, the available evidence is currently insufficient to determine the role of this variant in disease. Therefore, it has been classified as a Variant of Uncertain Significance.

NM_000051.4(ATM):c.5550A>C (p.Leu1850Phe)

Gene: ATM (ATM serine/threonine kinase; plus strand). Cytogenetic location: 11q22.3.
Variant type: single nucleotide variant.
Coding change: c.5550A>C on transcript NM_000051.4 (MANE Select); coding-DNA position 5550, A replaced by C.
Protein change: p.Leu1850Phe; replaces leucine 1850 with phenylalanine.
Molecular consequence: missense variant.
Genome position (GRCh38, 1-based): chr11:108,304,728, A>C. VCF-style: chr11-108304728-A-C. GRCh37 (hg19) VCF-style: chr11-108175455-A-C.
Other names: c.5550A>C, p.Leu1850Phe (NM_001351834.2); short protein forms L1850F.
Identifiers: ClinVar variation 2761037 (VCV002761037.3), dbSNP rs35850088, ClinGen allele CA382545984.